The following is an entry in ClinVar:

GRCh37/hg19 Xp22.11(chrX:23164537-23400286)x1

Gene: PTCHD1 (patched domain containing 1; plus strand). Cytogenetic location: Xp22.11.
Variant type: copy number loss.
Change: copy number 1 of chrX:23,164,537-23,400,286 (235.8 kb, GRCh37 coordinates, 1-based), cytogenetic band Xp22.11.
Identifiers: ClinVar variation 2685700 (VCV002685700.1).

ClinVar aggregate classification (germline): Pathogenic (1 of 4 stars; one submission).

Submission:

Quest Diagnostics Nichols Institute San Juan Capistrano
Classification: Pathogenic. Last evaluated: 2023-01-05. Review status: criteria provided, single submitter. Criteria: ACMG/ClinGen CNV Guidelines, 2019. Collection method: clinical testing. Allele origin: unknown.
Comment: This deletion involves the first two exons (NM_173495.3) of PTCHD1 (OMIM 300828) and the first two exons of the non-coding gene PTCHD1-AS. Haploinsufficiency of PTCHD1 is associated with X-linked recessive susceptibility to autism 4 (AUTS4; OMIM 300830) and additional neurodevelopmental features (Chaudhry 2015, Filges 2011, Gambin 2017, Noor 2010). PTCHD1-AS was observed to be frequently impacted by microdeletions in male patients with autism (Ross 2020). There are no similar copy number losses of this region in the general populations of the Database of Genomic Variants. Thus, based on current medical literature, this copy number variant (CNV) is classified as pathogenic. References: Chaudhry et al., Clin Genet. 2015 Sep;88(3):224-33. PMID: 25131214 Filges et al., Clin Genet. 2011 Jan;79(1):79-85. PMID: 21091464 Gambin et al., Genome Med. 2017 Sep 21;9(1):83. PMID: 28934986 Noor et al., Sci Transl Med. 2010 Sep 15;2(49):49ra68. PMID: 20844286 Ross et al., Biol Psychiatry. 2020 Jan 15;87(2):139-149. PMID: 31540669